The following is an entry in ClinVar:

ClinVar aggregate classification (germline): Pathogenic (1 of 4 stars; one submission).

Conditions:
ALG9 congenital disorder of glycosylation (CDG1L). Also called: ALG9-CDG; CONGENITAL DISORDER OF GLYCOSYLATION, TYPE Il; CDG Il. Identifiers: Orphanet 79328, MedGen C2931006, MONDO:0012117, OMIM 608776.

Submission:

Labcorp Genetics (formerly Invitae), Labcorp
Classification: Pathogenic for ALG9 congenital disorder of glycosylation. Last evaluated: 2025-12-11. Review status: criteria provided, single submitter. Criteria: Invitae Variant Classification Sherloc (09022015). Collection method: clinical testing. Allele origin: germline.
Comment: This sequence change creates a premature translational stop signal (p.Glu293*) in the ATP6V0A2 gene. It is expected to result in an absent or disrupted protein product. Loss-of-function variants in ATP6V0A2 are known to be pathogenic (PMID: 18157129, 19321599). This variant is not present in population databases (gnomAD no frequency). This variant has not been reported in the literature in individuals affected with ATP6V0A2-related conditions. ClinVar contains an entry for this variant (Variation ID: 3004981). For these reasons, this variant has been classified as Pathogenic.

Literature cited by the submitters: PubMed 18157129; PubMed 19321599.

NM_012463.4(ATP6V0A2):c.877G>T (p.Glu293Ter)

Gene: ATP6V0A2 (ATPase H+ transporting V0 subunit a2; plus strand). Cytogenetic location: 12q24.31.
Variant type: single nucleotide variant.
Coding change: c.877G>T on transcript NM_012463.4 (MANE Select); coding-DNA position 877, G replaced by T.
Protein change: p.Glu293Ter; replaces glutamic acid 293 with a stop codon.
Molecular consequence: nonsense.
Genome position (GRCh38, 1-based): chr12:123,737,110, G>T. VCF-style: chr12-123737110-G-T. GRCh37 (hg19) VCF-style: chr12-124221657-G-T.
Other names: short protein forms E293*.
Identifiers: ClinVar variation 3004981 (VCV003004981.3), dbSNP rs368924297, ClinGen allele CA387154248.